The following is an entry in ClinVar:

NM_013275.6(ANKRD11):c.2751_2752del (p.Lys919fs)

Gene: ANKRD11 (ankyrin repeat domain containing 11; minus strand). Cytogenetic location: 16q24.3.
Variant type: Deletion.
Coding change: c.2751_2752del on transcript NM_013275.6 (MANE Select); coding-DNA positions 2751 to 2752, 2 bases deleted (TG; older notation c.2751_2752delTG).
Protein change: p.Lys919fs; shifts the reading frame from lysine 919.
Molecular consequence: frameshift variant.
Genome position (GRCh38, 1-based): chr16:89,283,790-89,283,791, CA deleted on the plus strand (TG on the coding strand, the reverse complement: ANKRD11 is on the minus strand). VCF-style (leftmost placement, unchanged base first): chr16-89283789-TCA-T. GRCh37 (hg19) VCF-style: chr16-89350197-TCA-T.
Other names: c.2751_2752del, p.Lys919fs (NM_001256182.2, NM_001256183.2); short protein forms K919fs.
Identifiers: ClinVar variation 3296286 (VCV003296286.1).

ClinVar aggregate classification (germline): Pathogenic (1 of 4 stars; one submission).

Conditions:
Inborn genetic diseases. Identifiers: MedGen C0950123, MeSH D030342.

Submission:

Ambry Genetics
Classification: Pathogenic for Inborn genetic diseases. Last evaluated: 2024-03-15. Review status: criteria provided, single submitter. Criteria: Ambry Variant Classification Scheme 2023. Collection method: clinical testing. Allele origin: germline.
Comment: The c.2751_2752delTG (p.K919Efs*6) alteration, located in coding exon 7 of the ANKRD11 gene, consists of a deletion of 2 nucleotides from position 2751 to 2752, causing a translational frameshift with a predicted alternate stop codon after 6 amino acids. This alteration is expected to result in loss of function by premature protein truncation or nonsense-mediated mRNA decay. This variant was not reported in population-based cohorts in the Genome Aggregation Database (gnomAD). Based on the available evidence, this alteration is classified as pathogenic.